The following is an entry in ClinVar:

ClinVar aggregate classification (germline): Uncertain significance. Review status: criteria provided, multiple submitters, no conflicts (2 of 4 stars). 2 submissions from 2 submitters: Uncertain significance (2). Last evaluated 2025-12-03.

Conditions:
Inborn genetic diseases. Identifiers: MedGen C0950123, MeSH D030342.
Fibrous dysplasia of jaw (CRBM). Also called: Cherubism. Identifiers: Orphanet 184, MedGen C0008029, MONDO:0007315, OMIM 118400.

Allele frequency attached by ClinVar (database versions not stated): gnomAD 0.00001; gnomAD exomes 0.00001; TOPMed 0.00002.
gnomAD v4.1: 11 of 1,610,420 alleles (0.00068%); highest among the groups gnomAD compares: Admixed American, 0.0034%; no homozygotes.

Submissions (2):

Labcorp Genetics (formerly Invitae), Labcorp
Classification: Uncertain significance for Fibrous dysplasia of jaw. Last evaluated: 2025-12-03. Review status: criteria provided, single submitter. Criteria: Invitae Variant Classification Sherloc (09022015). Collection method: clinical testing. Allele origin: germline.
Comment: This sequence change replaces glutamic acid, which is acidic and polar, with glycine, which is neutral and non-polar, at codon 525 of the SH3BP2 protein (p.Glu525Gly). This variant is present in population databases (no rsID available, gnomAD 0.003%). This variant has not been reported in the literature in individuals affected with SH3BP2-related conditions. ClinVar contains an entry for this variant (Variation ID: 1058487). Invitae Evidence Modeling of protein sequence and biophysical properties (such as structural, functional, and spatial information, amino acid conservation, physicochemical variation, residue mobility, and thermodynamic stability) indicates that this missense variant is not expected to disrupt SH3BP2 protein function with a negative predictive value of 95%. In summary, the available evidence is currently insufficient to determine the role of this variant in disease. Therefore, it has been classified as a Variant of Uncertain Significance.

Ambry Genetics
Classification: Uncertain significance for Inborn genetic diseases. Last evaluated: 2025-03-30. Review status: criteria provided, single submitter. Criteria: Ambry Variant Classification Scheme 2023. Collection method: clinical testing. Allele origin: germline.

NM_001122681.2(SH3BP2):c.1574A>G (p.Glu525Gly)

Gene: SH3BP2 (SH3 domain binding protein 2; plus strand). Cytogenetic location: 4p16.3.
Variant type: single nucleotide variant.
Coding change: c.1574A>G on transcript NM_001122681.2 (MANE Select); coding-DNA position 1574, A replaced by G.
Protein change: p.Glu525Gly; replaces glutamic acid 525 with glycine.
Molecular consequence: missense variant.
Genome position (GRCh38, 1-based): chr4:2,833,722, A>G. VCF-style: chr4-2833722-A-G. GRCh37 (hg19) VCF-style: chr4-2835449-A-G.
Other names: c.1658A>G, p.Glu553Gly (NM_001145855.2); c.1745A>G, p.Glu582Gly (NM_001145856.2); c.1574A>G, p.Glu525Gly (NM_003023.4); short protein forms E525G, E553G, E582G.
Identifiers: ClinVar variation 1058487 (VCV001058487.10), dbSNP rs1172008192, ClinGen allele CA356059561.
Genomic context (GRCh38, chr4:2,833,722, plus strand): 5'-GCCCTGCTGACGCTCCCCCTTCTCTTCCCCCACAGGACTCTAAGTTCTACCTGGAGGGCG[A>G]GGTCCTGTTTGTGAGTGTGGGCAGCATGGTGGAGCACTACCACACCCACGTGCTGCCCAG-3'
Protein context (NP_001116153.1, residues 515-535): EKDSKFYLEG[Glu525Gly]VLFVSVGSMV